The following is an entry in ClinVar:

ClinVar aggregate classification (germline): Benign (1 of 4 stars; one submission).

Conditions:
Macular corneal dystrophy (MCD). Also called: GROENOUW TYPE II CORNEAL DYSTROPHY; Macular corneal dystrophy Type I. Identifiers: Orphanet 98969, MedGen C1636149, MONDO:0009020, OMIM 217800.

Allele frequency attached by ClinVar (database versions not stated): 1000 Genomes Project 30x 0.45909; 1000 Genomes Project 0.46585; TOPMed 0.47002; gnomAD 0.47041 and 0.47702; gnomAD exomes 0.54274.
gnomAD v4.1: 194,953 of 377,876 alleles (52%); highest among the groups gnomAD compares: Admixed American, 62%; 52,147 homozygotes.

Submission:

Illumina Laboratory Services, Illumina
Classification: Benign for Macular corneal dystrophy. Last evaluated: 2018-01-12. Review status: criteria provided, single submitter. Criteria: ICSL Variant Classification Criteria 13 December 2019. Collection method: clinical testing. Allele origin: germline.
Comment: This variant was observed in the ICSL laboratory as part of a predisposition screen in an ostensibly healthy population. It had not been previously curated by ICSL or reported in the Human Gene Mutation Database (HGMD: prior to June 1st, 2018), and was therefore a candidate for classification through an automated scoring system. Utilizing variant allele frequency, disease prevalence and penetrance estimates, and inheritance mode, an automated score was calculated to assess if this variant is too frequent to cause the disease. Based on the score and internal cut-off values, a variant classified as benign is not then subjected to further curation. The score for this variant resulted in a classification of benign for this disease.

NM_021615.5(CHST6):c.*3742C>T

Gene: CHST6 (carbohydrate sulfotransferase 6; minus strand). Cytogenetic location: 16q23.1.
Variant type: single nucleotide variant.
Coding change: c.*3742C>T on transcript NM_021615.5 (MANE Select); 3742 bases downstream of the stop codon, C replaced by T.
Molecular consequence: 3 prime UTR variant.
Genome position (GRCh38, 1-based): chr16:75,474,899, G>A on the plus strand (C>T on the coding strand, the complement: CHST6 is on the minus strand). VCF-style: chr16-75474899-G-A. GRCh37 (hg19) VCF-style: chr16-75508797-G-A.
Identifiers: ClinVar variation 320531 (VCV000320531.5), dbSNP rs56116092, ClinGen allele CA10648956.
Genomic context (GRCh38, chr16:75,474,899, plus strand): 5'-AGGCTGGAGTACAGTGGTGCGATCTCAGCTCACTGCAATCTCTGCCTCCTGGGTTCAAGC[G>A]ATTCTCCTGTCTCAGCCTCCCAAGTAGCTGGCCTTACAGGCATGTGCCACCACACCTGGC-3'